The following is an entry in ClinVar:

ClinVar aggregate classification (germline): Likely benign (1 of 4 stars; one submission).

Allele frequency attached by ClinVar (database versions not stated): gnomAD exomes 0.00052; ExAC 0.00087; gnomAD 0.00099; ESP Exome Variant Server 0.00100; TOPMed 0.00130; 1000 Genomes Project 30x 0.00187; 1000 Genomes Project 0.00220.
gnomAD v4.1: 955 of 1,612,654 alleles (0.059%); highest among the groups gnomAD compares: East Asian, 0.4%; 4 homozygotes.

Submission:

CeGaT Center for Human Genetics Tuebingen
Classification: Likely benign. Last evaluated: 2022-12-01. Review status: criteria provided, single submitter. Criteria: CeGaT Center For Human Genetics Tuebingen Variant Classification Criteria Version 2. Collection method: clinical testing. Allele origin: germline. Affected: yes. Observed: 1 variant allele.
Comment: HGFAC: BP4, BP7

NM_001528.4(HGFAC):c.1452G>A (p.Pro484=)

Gene: HGFAC (HGF activator; plus strand). Cytogenetic location: 4p16.3.
Variant type: single nucleotide variant.
Coding change: c.1452G>A on transcript NM_001528.4 (MANE Select); coding-DNA position 1452, G replaced by A.
Protein change: p.Pro484=; no amino-acid change (proline 484 retained).
Molecular consequence: synonymous variant.
Genome position (GRCh38, 1-based): chr4:3,447,588, G>A. VCF-style: chr4-3447588-G-A. GRCh37 (hg19) VCF-style: chr4-3449315-G-A.
Other names: c.1473G>A, p.Pro491= (NM_001297439.2).
Identifiers: ClinVar variation 2654604 (VCV002654604.24), dbSNP rs141802412, ClinGen allele CA2828542.